The following is an entry in ClinVar:

ClinVar aggregate classification (germline): Uncertain significance (1 of 4 stars; one submission).

Conditions:
Cohen syndrome (COH1). Also called: PEPPER SYNDROME; Cutis verticis gyrata, retinitis pigmentosa, and sensorineural deafness. Identifiers: Orphanet 193, MedGen C0265223, MONDO:0008999, OMIM 216550.

Allele frequency attached by ClinVar (database versions not stated): gnomAD exomes below 0.00001; TOPMed below 0.00001; ExAC 0.00001.
gnomAD v4.1: 2 of 1,613,852 alleles (0.00012%); highest among the groups gnomAD compares: Admixed American, 0.0033%; no homozygotes.

Submission:

Labcorp Genetics (formerly Invitae), Labcorp
Classification: Uncertain significance for Cohen syndrome. Last evaluated: 2024-12-16. Review status: criteria provided, single submitter. Criteria: Invitae Variant Classification Sherloc (09022015). Collection method: clinical testing. Allele origin: germline.
Comment: This sequence change replaces glycine, which is neutral and non-polar, with glutamic acid, which is acidic and polar, at codon 1098 of the VPS13B protein (p.Gly1098Glu). This variant is present in population databases (rs755738319, gnomAD 0.006%). This variant has not been reported in the literature in individuals affected with VPS13B-related conditions. ClinVar contains an entry for this variant (Variation ID: 2178534). Invitae Evidence Modeling of protein sequence and biophysical properties (such as structural, functional, and spatial information, amino acid conservation, physicochemical variation, residue mobility, and thermodynamic stability) indicates that this missense variant is expected to disrupt VPS13B protein function with a positive predictive value of 80%. In summary, the available evidence is currently insufficient to determine the role of this variant in disease. Therefore, it has been classified as a Variant of Uncertain Significance.

NM_152564.5(VPS13B):c.3293G>A (p.Gly1098Glu)

Gene: VPS13B (vacuolar protein sorting 13 homolog B; plus strand). Cytogenetic location: 8q22.2.
Variant type: single nucleotide variant.
Coding change: c.3293G>A on transcript NM_152564.5 (MANE Select); coding-DNA position 3293, G replaced by A.
Protein change: p.Gly1098Glu; replaces glycine 1098 with glutamic acid.
Molecular consequence: missense variant.
Genome position (GRCh38, 1-based): chr8:99,442,483, G>A. VCF-style: chr8-99442483-G-A. GRCh37 (hg19) VCF-style: chr8-100454711-G-A.
Other names: c.3293G>A, p.Gly1098Glu (NM_017890.5); short protein forms G1098E.
Identifiers: ClinVar variation 2178534 (VCV002178534.4), dbSNP rs755738319, ClinGen allele CA4823217.